The following is an entry in ClinVar:

ClinVar aggregate classification (germline): Pathogenic. Review status: criteria provided, multiple submitters, no conflicts (2 of 4 stars). 3 submissions from 3 submitters: Pathogenic (2). 1 of the submissions does not count toward it. Last evaluated 2023-04-26.

Conditions:
Familial adenomatous polyposis 1 (FAP1). Also called: FAMILIAL ADENOMATOUS POLYPOSIS 1, ATTENUATED; POLYPOSIS, ADENOMATOUS INTESTINAL. Identifiers: MedGen C2713442, MONDO:0021056, OMIM 175100. Disease mechanism: loss of function.
Carcinoma of colon (CRC). Also called: Colon carcinoma; Colonic carcinoma. Identifiers: MedGen C0699790, MONDO:0002032.

Submissions (3):

Myriad Genetics, Inc.
Classification: Pathogenic for Familial adenomatous polyposis 1. Last evaluated: 2023-04-26. Review status: criteria provided, single submitter. Criteria: Myriad Autosomal Dominant, Autosomal Recessive and X-Linked Classification Criteria (2023). Collection method: clinical testing. Allele origin: unknown.
Comment: This variant is considered pathogenic. This variant creates a frameshift predicted to result in premature protein truncation.

Labcorp Genetics (formerly Invitae), Labcorp
Classification: Pathogenic for Familial adenomatous polyposis 1. Last evaluated: 2020-03-23. Review status: criteria provided, single submitter. Criteria: Invitae Variant Classification Sherloc (09022015). Collection method: clinical testing. Allele origin: germline.
Comment: For these reasons, this variant has been classified as Pathogenic. Loss-of-function variants in APC are known to be pathogenic (PMID: 17963004, 20685668). This variant has not been reported in the literature in individuals with APC-related conditions. ClinVar contains an entry for this variant (Variation ID: 433601). This variant is not present in population databases (ExAC no frequency). This sequence change creates a premature translational stop signal (p.Lys153Argfs*17) in the APC gene. It is expected to result in an absent or disrupted protein product.

Department of Pathology and Laboratory Medicine, Sinai Health System
Classification: Pathogenic for Carcinoma of colon. Review status: no assertion criteria provided. Collection method: clinical testing. Allele origin: unknown. Affected: yes. Study: The Canadian Open Genetics Repository (COGR). Not counted in ClinVar's aggregate classification.
Comment: The p.Lys153ArgfsX17 variant has not been identified in the literature but it represents an alteration which is expected to cause the disorder. This variant is predicted to cause a frameshift, which alters the protein's amino acid sequence beginning at codon 153 and leads to a premature stop codon 17 codons downstream, leading to a truncated or absent protein. Loss of function of the APC gene is an established disease mechanism in familial adenomatous polyposis (FAP) syndrome. In summary, based on the information above this variant is Pathogenic.

Literature cited by the submitters: PubMed 17963004 (cited by Labcorp Genetics (formerly Invitae), Labcorp); PubMed 20685668 (cited by Labcorp Genetics (formerly Invitae), Labcorp).

NM_000038.6(APC):c.458del (p.Lys153fs)

Gene: APC (APC regulator of Wnt signaling pathway; plus strand). Cytogenetic location: 5q22.2.
Variant type: Deletion.
Coding change: c.458del on transcript NM_000038.6 (MANE Select); coding-DNA position 458, one base deleted (A; older notation c.458delA).
Protein change: p.Lys153fs; shifts the reading frame from lysine 153.
Molecular consequence: frameshift variant. On other transcripts: 5 prime UTR variant (1).
Genome position (GRCh38, 1-based): chr5:112,775,664, A deleted; the last of 4 consecutive A bases (chr5:112,775,661-112,775,664); deleting any one gives the same sequence. VCF-style (leftmost placement, unchanged base first): chr5-112775660-GA-G. GRCh37 (hg19) VCF-style: chr5-112111357-GA-G.
Other names: c.458del, p.Lys153fs (NM_001127510.3, NM_001354895.2, NM_001354896.2 and 2 more transcripts); c.488del, p.Lys163fs (NM_001127511.3, NM_001354897.2, NM_001354902.2); c.383del, p.Lys128fs (NM_001354898.2, NM_001354904.2); c.281del, p.Lys94fs (NM_001354900.2, NM_001354901.2, NM_001354905.2); c.-578del (NM_001354906.2); short protein forms K153fs, K128fs, K163fs, K94fs.
Identifiers: ClinVar variation 433601 (VCV000433601.48), dbSNP rs1554071521, ClinGen allele CA645372773.